The following is an entry in ClinVar:

NM_030578.4(B9D2):c.195C>T (p.Phe65=)

Gene: B9D2 (B9 domain containing 2; minus strand). Cytogenetic location: 19q13.2.
Variant type: single nucleotide variant.
Coding change: c.195C>T on transcript NM_030578.4 (MANE Select); coding-DNA position 195, C replaced by T.
Protein change: p.Phe65=; no amino-acid change (phenylalanine 65 retained).
Molecular consequence: synonymous variant.
Genome position (GRCh38, 1-based): chr19:41,357,916, G>A on the plus strand (C>T on the coding strand, the complement: B9D2 is on the minus strand). VCF-style: chr19-41357916-G-A. GRCh37 (hg19) VCF-style: chr19-41863821-G-A.
Identifiers: ClinVar variation 241603 (VCV000241603.41), dbSNP rs34088631, ClinGen allele CA9460326.

ClinVar aggregate classification (germline): Benign/Likely benign. Review status: criteria provided, multiple submitters, no conflicts (2 of 4 stars). 8 submissions from 8 submitters: Benign (1); Likely benign (5). 2 of the submissions do not count toward it. Last evaluated 2026-06-01.

Conditions:
Meckel-Gruber syndrome. Also called: GRUBER SYNDROME; DYSENCEPHALIA SPLANCHNOCYSTICA; Dysencephalia splachnocystica. Identifiers: Orphanet 564, MedGen C0265215, MONDO:0018921.
Joubert syndrome. Also called: JOUBERT-BOLTSHAUSER SYNDROME; Familial aplasia of the vermis. Identifiers: Orphanet 475, MedGen C5979921, MONDO:0018772.

Allele frequency attached by ClinVar (database versions not stated): 1000 Genomes Project 30x 0.00109; 1000 Genomes Project 0.00120; ExAC 0.00200; gnomAD exomes 0.00205 and 0.00265; gnomAD 0.00251 and 0.00261; ESP Exome Variant Server 0.00269; TOPMed 0.00281.
gnomAD v4.1: 4,231 of 1,614,138 alleles (0.26%); highest among the groups gnomAD compares: Non-Finnish European, 0.32%; 6 homozygotes.

Submissions (8):

CeGaT Center for Human Genetics Tuebingen
Classification: Likely benign. Last evaluated: 2026-06-01. Review status: criteria provided, single submitter. Criteria: CeGaT Center For Human Genetics Tuebingen Variant Classification Criteria Version 2. Collection method: clinical testing. Allele origin: germline. Affected: yes. Observed: 12 variant alleles.
Comment: B9D2: BP4, BP7

Labcorp Genetics (formerly Invitae), Labcorp
Classification: Benign for Joubert syndrome; Meckel-Gruber syndrome. Last evaluated: 2026-02-02. Review status: criteria provided, single submitter. Criteria: Invitae Variant Classification Sherloc (09022015). Collection method: clinical testing. Allele origin: germline.

Blueprint Genetics
Classification: Likely benign. Last evaluated: 2024-11-28. Review status: criteria provided, single submitter. Criteria: ACMG Guidelines, 2015. Collection method: clinical testing. Allele origin: germline.

GeneDx
Classification: Likely benign. Last evaluated: 2020-12-05. Review status: criteria provided, single submitter. Criteria: GeneDx Variant Classification Process June 2021. Collection method: clinical testing. Allele origin: germline. Affected: yes.

Breakthrough Genomics
Classification: Likely benign. Review status: criteria provided, single submitter. Criteria: ACMG Guidelines, 2015. Collection method: not provided. Allele origin: germline. Inheritance: Autosomal recessive inheritance. Affected: yes.

PreventionGenetics, part of Exact Sciences
Classification: Likely benign. Review status: criteria provided, single submitter. Criteria: ACMG Guidelines, 2015. Collection method: clinical testing. Allele origin: germline.

Clinical Genetics DNA and cytogenetics Diagnostics Lab, Erasmus MC, Erasmus Medical Center
Classification: Likely benign. Review status: no assertion criteria provided. Collection method: clinical testing. Allele origin: germline. Affected: yes. Study: VKGL Data-share Consensus. Not counted in ClinVar's aggregate classification.

Genome Diagnostics Laboratory, University Medical Center Utrecht
Classification: Likely benign. Review status: no assertion criteria provided. Collection method: clinical testing. Allele origin: germline. Affected: yes. Study: VKGL Data-share Consensus. Not counted in ClinVar's aggregate classification.